The following is an entry in ClinVar:

ClinVar aggregate classification (germline): Conflicting classifications of pathogenicity. Review status: criteria provided, conflicting classifications (1 of 4 stars). 5 submissions from 5 submitters: Uncertain significance (1); Likely benign (4). Last evaluated 2026-01-15.

Conditions:
Autosomal dominant Parkinson disease 8. Also called: Parkinson disease 8, susceptibility to; LRRK2-Related Parkinson Disease; Parkinson disease 8. Identifiers: Orphanet 411602, MedGen C1846862, MONDO:0011764, OMIM 607060.
Inborn genetic diseases. Identifiers: MedGen C0950123, MeSH D030342.

Allele frequency attached by ClinVar (database versions not stated): 1000 Genomes Project 0.00020; gnomAD exomes 0.00020; gnomAD 0.00021 and 0.00023; ExAC 0.00024; TOPMed 0.00027; 1000 Genomes Project 30x 0.00031; ESP Exome Variant Server 0.00038.
gnomAD v4.1: 435 of 1,612,268 alleles (0.027%); highest among the groups gnomAD compares: Non-Finnish European, 0.032%; no homozygotes.

Submissions (5):

Labcorp Genetics (formerly Invitae), Labcorp
Classification: Likely benign for Autosomal dominant Parkinson disease 8. Last evaluated: 2026-01-15. Review status: criteria provided, single submitter. Criteria: Invitae Variant Classification Sherloc (09022015). Collection method: clinical testing. Allele origin: germline.

CeGaT Center for Human Genetics Tuebingen
Classification: Likely benign. Last evaluated: 2025-01-01. Review status: criteria provided, single submitter. Criteria: CeGaT Center For Human Genetics Tuebingen Variant Classification Criteria Version 2. Collection method: clinical testing. Allele origin: germline. Affected: yes. Observed: 2 variant alleles.
Comment: LRRK2: BP4, BP7

Blueprint Genetics
Classification: Likely benign. Last evaluated: 2024-11-27. Review status: criteria provided, single submitter. Criteria: ACMG Guidelines, 2015. Collection method: clinical testing. Allele origin: germline.

Ambry Genetics
Classification: Likely benign for Inborn genetic diseases. Last evaluated: 2022-02-13. Review status: criteria provided, single submitter. Criteria: Ambry Variant Classification Scheme 2023. Collection method: clinical testing. Allele origin: germline.

Illumina Laboratory Services, Illumina
Classification: Uncertain significance for Autosomal dominant Parkinson disease 8. Last evaluated: 2018-01-12. Review status: criteria provided, single submitter. Criteria: ICSL Variant Classification Criteria 13 December 2019. Collection method: clinical testing. Allele origin: germline.

NM_198578.4(LRRK2):c.6801C>T (p.Thr2267=)

Gene: LRRK2 (leucine rich repeat kinase 2; plus strand). Cytogenetic location: 12q12.
Variant type: single nucleotide variant.
Coding change: c.6801C>T on transcript NM_198578.4 (MANE Select); coding-DNA position 6801, C replaced by T.
Protein change: p.Thr2267=; no amino-acid change (threonine 2267 retained).
Molecular consequence: synonymous variant.
Genome position (GRCh38, 1-based): chr12:40,356,145, C>T. VCF-style: chr12-40356145-C-T. GRCh37 (hg19) VCF-style: chr12-40749947-C-T.
Identifiers: ClinVar variation 308644 (VCV000308644.43), dbSNP rs148143226, ClinGen allele CA6514767.